The following is an entry in ClinVar:

NM_002691.4(POLD1):c.2212A>G (p.Lys738Glu)

Gene: POLD1 (DNA polymerase delta 1, catalytic subunit; plus strand). Cytogenetic location: 19q13.33.
Variant type: single nucleotide variant.
Coding change: c.2212A>G on transcript NM_002691.4 (MANE Select); coding-DNA position 2212, A replaced by G.
Protein change: p.Lys738Glu; replaces lysine 738 with glutamic acid.
Molecular consequence: missense variant. On other transcripts: non-coding transcript variant (1).
Genome position (GRCh38, 1-based): chr19:50,413,483, A>G. VCF-style: chr19-50413483-A-G. GRCh37 (hg19) VCF-style: chr19-50916740-A-G.
Other names: c.2212A>G, p.Lys738Glu (NM_001256849.1); c.2290A>G, p.Lys764Glu (NM_001308632.1); c.2212A>G (NM_002691.2); short protein forms K764E, K738E.
Identifiers: ClinVar variation 1347000 (VCV001347000.7), dbSNP rs1457064979, ClinGen allele CA406983681.
Genomic context (GRCh38, chr19:50,413,483, plus strand): 5'-CAGAGCGTCACGGGGTTCGGACGTCAGATGATCGAGAAAACCAAGCAGCTGGTGGAGTCT[A>G]AGTACACAGTGGAGAATGGCTACAGCACCAGTGCCAAGGTCGGGGGCTGCCCACCGCTGC-3'
Protein context (NP_002682.2, residues 728-748): IEKTKQLVES[Lys738Glu]YTVENGYSTS

ClinVar aggregate classification (germline): Uncertain significance. Review status: criteria provided, multiple submitters, no conflicts (2 of 4 stars). 2 submissions from 2 submitters: Uncertain significance (2). Last evaluated 2024-08-22.

Conditions:
POLD1-related polyposis and colorectal cancer syndrome (CRCS10). Also called: Colorectal cancer, susceptibility to, 10; Colorectal cancer 10; COLORECTAL CANCER, SUSCEPTIBILITY TO, ON CHROMOSOME 19q. Identifiers: Orphanet 220460, MedGen C2675481, MONDO:0012953, OMIM 612591.
Hereditary cancer-predisposing syndrome. Also called: Tumor predisposition; Hereditary Cancer Syndrome; Hereditary neoplastic syndrome; Neoplastic Syndromes, Hereditary. Identifiers: Orphanet 140162, MedGen C0027672, MeSH D009386, MONDO:0015356.

Submissions (2):

Labcorp Genetics (formerly Invitae), Labcorp
Classification: Uncertain significance for POLD1-related polyposis and colorectal cancer syndrome. Last evaluated: 2024-08-22. Review status: criteria provided, single submitter. Criteria: Invitae Variant Classification Sherloc (09022015). Collection method: clinical testing. Allele origin: germline.
Comment: This sequence change replaces lysine, which is basic and polar, with glutamic acid, which is acidic and polar, at codon 738 of the POLD1 protein (p.Lys738Glu). This variant is not present in population databases (gnomAD no frequency). This variant has not been reported in the literature in individuals affected with POLD1-related conditions. ClinVar contains an entry for this variant (Variation ID: 1347000). Invitae Evidence Modeling of protein sequence and biophysical properties (such as structural, functional, and spatial information, amino acid conservation, physicochemical variation, residue mobility, and thermodynamic stability) indicates that this missense variant is not expected to disrupt POLD1 protein function with a negative predictive value of 80%. In summary, the available evidence is currently insufficient to determine the role of this variant in disease. Therefore, it has been classified as a Variant of Uncertain Significance.

Ambry Genetics
Classification: Uncertain significance for Hereditary cancer-predisposing syndrome. Last evaluated: 2023-04-16. Review status: criteria provided, single submitter. Criteria: Ambry Variant Classification Scheme 2023. Collection method: clinical testing. Allele origin: germline.
Comment: The p.K738E variant (also known as c.2212A>G), located in coding exon 17 of the POLD1 gene, results from an A to G substitution at nucleotide position 2212. The lysine at codon 738 is replaced by glutamic acid, an amino acid with similar properties. This amino acid position is conserved. In addition, this alteration is predicted to be tolerated by in silico analysis. Since supporting evidence is limited at this time, the clinical significance of this alteration remains unclear.